The following is an entry in ClinVar:

ClinVar aggregate classification (germline): Uncertain significance. Review status: criteria provided, multiple submitters, no conflicts (2 of 4 stars). 2 submissions from 2 submitters: Uncertain significance (2). Last evaluated 2025-07-07.

Conditions:
Multiple mitochondrial dysfunctions syndrome 3 (MMDS3). Identifiers: Orphanet 363424, MedGen C3809165, MONDO:0014132, OMIM 615330.
Hereditary spastic paraplegia 74. Also called: Spastic paraplegia 74, autosomal recessive. Identifiers: Orphanet 468661, MedGen C5568837, MONDO:0014644, OMIM 616451.

gnomAD v4.1: 18 of 1,536,296 alleles (0.0012%); highest among the groups gnomAD compares: East Asian, 0.0025%; no homozygotes.

Submissions (2):

Labcorp Genetics (formerly Invitae), Labcorp
Classification: Uncertain significance for Multiple mitochondrial dysfunctions syndrome 3; Hereditary spastic paraplegia 74. Last evaluated: 2025-07-07. Review status: criteria provided, single submitter. Criteria: Invitae Variant Classification Sherloc (09022015). Collection method: clinical testing. Allele origin: germline.
Comment: This sequence change replaces valine, which is neutral and non-polar, with methionine, which is neutral and non-polar, at codon 102 of the IBA57 protein (p.Val102Met). The frequency data for this variant in the population databases is considered unreliable, as metrics indicate poor data quality at this position in the gnomAD database. This variant has not been reported in the literature in individuals affected with IBA57-related conditions. ClinVar contains an entry for this variant (Variation ID: 1380853). Invitae Evidence Modeling of protein sequence and biophysical properties (such as structural, functional, and spatial information, amino acid conservation, physicochemical variation, residue mobility, and thermodynamic stability) indicates that this missense variant is expected to disrupt IBA57 protein function with a positive predictive value of 80%. In summary, the available evidence is currently insufficient to determine the role of this variant in disease. Therefore, it has been classified as a Variant of Uncertain Significance.

Blueprint Genetics
Classification: Uncertain significance. Last evaluated: 2024-09-02. Review status: criteria provided, single submitter. Criteria: ACMG Guidelines, 2015. Collection method: clinical testing. Allele origin: germline.

NM_001010867.4(IBA57):c.304G>A (p.Val102Met)

Gene: IBA57 (iron-sulfur cluster assembly factor IBA57; plus strand). Cytogenetic location: 1q42.13.
Variant type: single nucleotide variant.
Coding change: c.304G>A on transcript NM_001010867.4 (MANE Select); coding-DNA position 304, G replaced by A.
Protein change: p.Val102Met; replaces valine 102 with methionine.
Molecular consequence: missense variant.
Genome position (GRCh38, 1-based): chr1:228,166,120, G>A. VCF-style: chr1-228166120-G-A. GRCh37 (hg19) VCF-style: chr1-228353821-G-A.
Other names: short protein forms V102M.
Identifiers: ClinVar variation 1380853 (VCV001380853.5), dbSNP rs753218907, ClinGen allele CA1431098.